The following is an entry in ClinVar:

ClinVar aggregate classification (germline): Uncertain significance (1 of 4 stars; one submission).

Conditions:
Acrodysostosis 2 with or without hormone resistance. Also called: ACRODYSOSTOSIS 2 WITH HORMONE RESISTANCE; ACRODYSOSTOSIS 2 WITHOUT HORMONE RESISTANCE. Identifiers: Orphanet 280651, MedGen C3553250, MONDO:0013822, OMIM 614613.

Submission:

Laboratorio de Genetica e Diagnostico Molecular, Hospital Israelita Albert Einstein
Classification: Uncertain significance for Acrodysostosis 2 with or without hormone resistance. Last evaluated: 2021-10-14. Review status: criteria provided, single submitter. Criteria: ACMG Guidelines, 2015. Collection method: clinical testing. Allele origin: germline. Affected: yes.
Comment: ACMG classification criteria: PM2 moderate, PM4 moderate

NM_001104631.2(PDE4D):c.946C>T (p.Leu316Phe)

Gene: PDE4D (phosphodiesterase 4D; minus strand). Cytogenetic location: 5q11.2.
Variant type: single nucleotide variant.
Coding change: c.946C>T on transcript NM_001104631.2 (MANE Select); coding-DNA position 946, C replaced by T.
Protein change: p.Leu316Phe; replaces leucine 316 with phenylalanine.
Molecular consequence: missense variant.
Genome position (GRCh38, 1-based): chr5:58,993,441, G>A on the plus strand (C>T on the coding strand, the complement: PDE4D is on the minus strand). VCF-style: chr5-58993441-G-A. GRCh37 (hg19) VCF-style: chr5-58289268-G-A.
Other names: c.763C>T, p.Leu255Phe (NM_001165899.2, NM_001364599.1); c.754C>T, p.Leu252Phe (NM_001197218.2); c.580C>T, p.Leu194Phe (NM_001197219.2); c.556C>T, p.Leu186Phe (NM_001197220.2); c.40C>T, p.Leu14Phe (NM_001197221.2, NM_001364603.1); c.274C>T, p.Leu92Phe (NM_001197222.2); c.73C>T, p.Leu25Phe (NM_001197223.2); c.733C>T, p.Leu245Phe (NM_001349241.2); and 3 more; short protein forms L14F, L180F, L186F, L194F, L206F, L245F, L252F, L255F.
Identifiers: ClinVar variation 1683529 (VCV001683529.3), dbSNP rs2153344901, ClinGen allele CA359818128.
Genomic context (GRCh38, chr5:58,993,441, plus strand): 5'-TGTTTGATATAAACTCTGACACTTGATTTCCAGACCGACTCATTTCAGAGAGATGGGTGA[G>A]CTCCCGATTAAGCATCCTTTTAAACTGAAAAACAGAAAAGTAAAATGAAATAATAGAAGA-3'
Protein context (NP_001098101.1, residues 306-326): NKFKRMLNRE[Leu316Phe]THLSEMSRSG